The following is an entry in ClinVar:

NM_001206744.2(TPO):c.180-6C>A

Gene: TPO (thyroid peroxidase; plus strand). Cytogenetic location: 2p25.3.
Variant type: single nucleotide variant.
Coding change: c.180-6C>A on transcript NM_001206744.2 (MANE Select); 6 bases into the intron before coding-DNA position 180, C replaced by A.
Molecular consequence: intron variant.
Genome position (GRCh38, 1-based): chr2:1,433,432, C>A. VCF-style: chr2-1433432-C-A. GRCh37 (hg19) VCF-style: chr2-1437204-C-A.
Other names: c.180-6C>A (NM_000547.6, NM_175719.4, NM_001206745.2 and 2 more transcripts).
Identifiers: ClinVar variation 331222 (VCV000331222.11), dbSNP rs78253418, ClinGen allele CA1511357.

ClinVar aggregate classification (germline): Benign. Review status: criteria provided, multiple submitters, no conflicts (2 of 4 stars). 4 submissions from 4 submitters: Benign (4). Last evaluated 2026-05-12.

Conditions:
Deficiency of iodide peroxidase (TDH2A). Also called: HYPOTHYROIDISM, CONGENITAL, DUE TO DYSHORMONOGENESIS, 2A; IODIDE PEROXIDASE DEFICIENCY; THYROID HORMONOGENESIS, GENETIC DEFECT IN, 2A; THYROID PEROXIDASE DEFICIENCY; Thyroid dyshormonogenesis 2A. Identifiers: Orphanet 95716, MedGen C1291299, MONDO:0010133, OMIM 274500.

Allele frequency attached by ClinVar (database versions not stated): ESP Exome Variant Server 0.00730; gnomAD exomes 0.00908 and 0.01990; gnomAD 0.00923 and 0.01298; TOPMed 0.01182; ExAC 0.02118; 1000 Genomes Project 30x 0.04809; 1000 Genomes Project 0.05032.
gnomAD v4.1: 15,581 of 1,614,004 alleles (0.97%); highest among the groups gnomAD compares: East Asian, 12%; 745 homozygotes.

Submissions (9):

Women's Health and Genetics/Laboratory Corporation of America, LabCorp
Classification: Benign. Last evaluated: 2026-05-12. Review status: criteria provided, single submitter. Criteria: LabCorp Variant Classification Summary - May 2015. Collection method: clinical testing. Allele origin: germline.

Labcorp Genetics (formerly Invitae), Labcorp
Classification: Benign. Last evaluated: 2026-02-04. Review status: criteria provided, single submitter. Criteria: Invitae Variant Classification Sherloc (09022015). Collection method: clinical testing. Allele origin: germline.

Illumina Laboratory Services, Illumina
Classification: Benign for Deficiency of iodide peroxidase. Last evaluated: 2018-01-13. Review status: criteria provided, single submitter. Criteria: ICSL Variant Classification Criteria 13 December 2019. Collection method: clinical testing. Allele origin: germline.
Comment: This variant was observed in the ICSL laboratory as part of a predisposition screen in an ostensibly healthy population. It had not been previously curated by ICSL or reported in the Human Gene Mutation Database (HGMD: prior to June 1st, 2018), and was therefore a candidate for classification through an automated scoring system. Utilizing variant allele frequency, disease prevalence and penetrance estimates, and inheritance mode, an automated score was calculated to assess if this variant is too frequent to cause the disease. Based on the score and internal cut-off values, a variant classified as benign is not then subjected to further curation. The score for this variant resulted in a classification of benign for this disease.

Breakthrough Genomics
Classification: Benign. Review status: criteria provided, single submitter. Criteria: ACMG Guidelines, 2015. Collection method: not provided. Allele origin: germline. Inheritance: Autosomal recessive inheritance. Affected: yes.

Dr. Peter K. Rogan Lab, Western University
No classification provided (evidence only). Condition: Malignant lymphoma, large B-cell, diffuse. Review status: no classification provided. Collection method: in vitro. Allele origin: not applicable. Functional consequence: retained intron. Not counted in ClinVar's aggregate classification.

Dr. Peter K. Rogan Lab, Western University
No classification provided (evidence only). Condition: Ovarian serous cystadenocarcinoma. Review status: no classification provided. Collection method: in vitro. Allele origin: not applicable. Functional consequence: retained intron. Not counted in ClinVar's aggregate classification.

Dr. Peter K. Rogan Lab, Western University
No classification provided (evidence only). Condition: Gastric cancer. Review status: no classification provided. Collection method: in vitro. Allele origin: not applicable. Functional consequence: retained intron. Not counted in ClinVar's aggregate classification.

Dr. Peter K. Rogan Lab, Western University
No classification provided (evidence only). Condition: Gastric cancer. Review status: no classification provided. Collection method: in vitro. Allele origin: not applicable. Functional consequence: retained intron. Not counted in ClinVar's aggregate classification.

Dr. Peter K. Rogan Lab, Western University
No classification provided (evidence only). Condition: Malignant tumor of esophagus. Review status: no classification provided. Collection method: in vitro. Allele origin: not applicable. Functional consequence: retained intron. Not counted in ClinVar's aggregate classification.